The following is an entry in ClinVar:

NM_003816.3(ADAM9):c.2205A>G (p.Thr735=)

Gene: ADAM9 (ADAM metallopeptidase domain 9; plus strand). Cytogenetic location: 8p11.22.
Variant type: single nucleotide variant.
Coding change: c.2205A>G on transcript NM_003816.3 (MANE Select); coding-DNA position 2205, A replaced by G.
Protein change: p.Thr735=; no amino-acid change (threonine 735 retained).
Molecular consequence: synonymous variant. On other transcripts: non-coding transcript variant (2).
Genome position (GRCh38, 1-based): chr8:39,090,183, A>G. VCF-style: chr8-39090183-A-G. GRCh37 (hg19) VCF-style: chr8-38947702-A-G.
Identifiers: ClinVar variation 1933201 (VCV001933201.5), dbSNP rs2536391256, ClinGen allele CA460511275.

ClinVar aggregate classification (germline): Uncertain significance (1 of 4 stars; one submission).

Submission:

Labcorp Genetics (formerly Invitae), Labcorp
Classification: Uncertain significance. Last evaluated: 2022-06-14. Review status: criteria provided, single submitter. Criteria: Invitae Variant Classification Sherloc (09022015). Collection method: clinical testing. Allele origin: germline.
Comment: This sequence change affects codon 735 of the ADAM9 mRNA. It is a 'silent' change, meaning that it does not change the encoded amino acid sequence of the ADAM9 protein. In summary, the available evidence is currently insufficient to determine the role of this variant in disease. Therefore, it has been classified as a Variant of Uncertain Significance. Algorithms developed to predict the effect of sequence changes on RNA splicing suggest that this variant may create or strengthen a splice site. This variant has not been reported in the literature in individuals affected with ADAM9-related conditions. This variant is not present in population databases (gnomAD no frequency).